The following is an entry in ClinVar:

ClinVar aggregate classification (germline): Likely pathogenic (0 of 4 stars; one submission).

Conditions:
COL1A1-related disorder. Also called: COL1A1- related disease; COL1A1-related condition.

Submission:

PreventionGenetics, part of Exact Sciences
Classification: Likely pathogenic for COL1A1-related condition. Last evaluated: 2024-05-07. Review status: no assertion criteria provided. Collection method: clinical testing. Allele origin: germline.
Comment: The COL1A1 c.3509delG variant is predicted to result in a frameshift and premature protein termination (p.Arg1170Profs*69). To our knowledge, this variant has not been reported in the literature or in a large population database, indicating this variant is rare. Frameshift variants in COL1A1 are expected to be pathogenic. This variant is interpreted as likely pathogenic.

NM_000088.4(COL1A1):c.3509del (p.Arg1170fs)

Gene: COL1A1 (collagen type I alpha 1 chain; minus strand). Cytogenetic location: 17q21.33.
Variant type: Deletion.
Coding change: c.3509del on transcript NM_000088.4 (MANE Select); coding-DNA position 3509, one base deleted (G; older notation c.3509delG).
Protein change: p.Arg1170fs; shifts the reading frame from arginine 1170.
Molecular consequence: frameshift variant.
Genome position (GRCh38, 1-based): chr17:50,187,037, C deleted on the plus strand (G on the coding strand, the reverse complement: COL1A1 is on the minus strand). VCF-style (leftmost placement, unchanged base first): chr17-50187036-GC-G. GRCh37 (hg19) VCF-style: chr17-48264397-GC-G.
Other names: short protein forms R1170fs.
Identifiers: ClinVar variation 2633750 (VCV002633750.2), dbSNP rs2509166433, ClinGen allele CA2695200279.